The following is an entry in ClinVar:

ClinVar aggregate classification (germline): Pathogenic. Review status: reviewed by expert panel (3 of 4 stars). 2 submissions from 2 submitters: Pathogenic (1). 1 of the submissions does not count toward it. Last evaluated 2026-08-18.

Conditions:
Alexander disease (ALXDRD). Also called: Alexander's disease. Identifiers: Orphanet 58, MedGen C0270726, MONDO:0008752, OMIM 203450.

Submissions (2):

ClinGen Leukodystrophy and Leukoencephalopathy Variant Curation Expert Panel, ClinGen
Classification: Pathogenic for Alexander disease. Last evaluated: 2026-08-18. Review status: reviewed by expert panel. Criteria: ClinGen Leuko ACMG Specifications GFAP V1.0. Collection method: curation. Allele origin: germline. Inheritance: Autosomal dominant inheritance.
Comment: The NM_002055.5(GFAP):c.617_618+1del variant in GFAP is a 3-bp deletion that crosses an exon–intron boundary, deleting the last two nucleotides of exon 3 (c.617 and c.618) and the first nucleotide of intron 3 (c.618+1). This variant has been reported as a de novo occurrence with confirmed parental relationships in 1 proband who met definite diagnostic criteria for Alexander Disease per ClinGen Leukodystrophy and Leukoencephalopathy Expert Panel Specifications to the ACMG/AMP Variant Interpretation Guidelines for GFAP Version 1.0.0 (PS2, PS4_Supporting; Internal lab contributor). At least one patient with this variant displayed elevated GFAP protein levels in plasma, serum, or CSF, which is highly specific for Alexander Disease (PP4_Strong, PMID: 41513585). This variant is absent from gnomAD v[4.1.1] (PM2_Supporting). In summary, this variant meets the criteria to be classified as Pathogenic for Alexander Disease based on the ACMG/AMP criteria applied, as specified by the ClinGen Leukodystrophy and Leukoencephalopathy VCEP: PS2, PP4_Strong, PS4_Supporting, PM2_Supporting (ClinGen Leukodystrophy and Leukoencephalopathy VCEP Specifications Version 1.0.0).

GeneDx
Classification: Pathogenic. Last evaluated: 2024-08-30. Review status: criteria provided, single submitter. Criteria: GeneDx Variant Classification Process June 2021. Collection method: clinical testing. Allele origin: germline. Affected: yes. Not counted in ClinVar's aggregate classification.
Comment: Not observed at significant frequency in large population cohorts (gnomAD); In-frame deletion of 1 amino acid in non-repeat region; In silico analysis supports a deleterious effect on protein structure/function; Has not been previously published as pathogenic or benign to our knowledge

NM_002055.5(GFAP):c.617_618+1del

Gene: GFAP (glial fibrillary acidic protein; minus strand). Cytogenetic location: 17q21.31.
Variant type: Microsatellite.
Coding change: c.617_618+1del on transcript NM_002055.5 (MANE Select); coding-DNA position 617 through the canonical splice donor site of the intron after coding-DNA position 618, 3 bases deleted (AGG; older notation c.617_618+1delAGG).
Molecular consequence: splice donor variant.
Genome position (GRCh38, 1-based): chr17:44,913,727-44,913,729, CCT deleted on the plus strand (AGG on the coding strand, the reverse complement: GFAP is on the minus strand); deleting any 3 consecutive bases within chr17:44,913,727-44,913,733 gives the same sequence; the c. name uses the placement nearest the transcript's 3' end. VCF-style (leftmost placement, unchanged base first): chr17-44913726-ACCT-A. GRCh37 (hg19) VCF-style: chr17-42991094-ACCT-A.
Other names: c.617_618+1del (NM_001363846.2, NM_001131019.3, NM_001242376.3).
Identifiers: ClinVar variation 3767649 (VCV003767649.2).